The following is an entry in ClinVar:

ClinVar aggregate classification (germline): Uncertain significance. Review status: criteria provided, multiple submitters, no conflicts (2 of 4 stars). 2 submissions from 2 submitters: Uncertain significance (2). Last evaluated 2023-08-21.

Allele frequency attached by ClinVar (database versions not stated): gnomAD exomes below 0.00001; TOPMed below 0.00001.

Submissions (2):

Blueprint Genetics
Classification: Uncertain significance. Last evaluated: 2023-08-21. Review status: criteria provided, single submitter. Criteria: ACMG Guidelines, 2015. Collection method: clinical testing. Allele origin: germline.

Labcorp Genetics (formerly Invitae), Labcorp
Classification: Uncertain significance. Last evaluated: 2021-06-11. Review status: criteria provided, single submitter. Criteria: Invitae Variant Classification Sherloc (09022015). Collection method: clinical testing. Allele origin: germline.
Comment: This sequence change replaces arginine with lysine at codon 745 of the PCARE protein (p.Arg745Lys). The arginine residue is highly conserved and there is a small physicochemical difference between arginine and lysine. This variant is not present in population databases (ExAC no frequency). This variant has not been reported in the literature in individuals with PCARE-related conditions. Algorithms developed to predict the effect of missense changes on protein structure and function output the following: SIFT: "Tolerated"; PolyPhen-2: "Benign"; Align-GVGD: "Class C0". The lysine amino acid residue is found in multiple mammalian species, suggesting that this missense change does not adversely affect protein function. These predictions have not been confirmed by published functional studies and their clinical significance is uncertain. In summary, the available evidence is currently insufficient to determine the role of this variant in disease. Therefore, it has been classified as a Variant of Uncertain Significance.

NM_001029883.3(PCARE):c.2234G>A (p.Arg745Lys)

Gene: PCARE (photoreceptor cilium actin regulator; minus strand). Cytogenetic location: 2p23.2.
Variant type: single nucleotide variant.
Coding change: c.2234G>A on transcript NM_001029883.3 (MANE Select); coding-DNA position 2234, G replaced by A.
Protein change: p.Arg745Lys; replaces arginine 745 with lysine.
Molecular consequence: missense variant.
Genome position (GRCh38, 1-based): chr2:29,072,028, C>T on the plus strand (G>A on the coding strand, the complement: PCARE is on the minus strand). VCF-style: chr2-29072028-C-T. GRCh37 (hg19) VCF-style: chr2-29294894-C-T.
Other names: short protein forms R745K.
Identifiers: ClinVar variation 1016042 (VCV001016042.9), dbSNP rs781754063, ClinGen allele CA44641439.